The following is an entry in ClinVar:

NM_001080.3(ALDH5A1):c.1145C>A (p.Pro382Gln)

Gene: ALDH5A1 (aldehyde dehydrogenase 5 family member A1; plus strand). Cytogenetic location: 6p22.3.
Variant type: single nucleotide variant.
Coding change: c.1145C>A on transcript NM_001080.3 (MANE Select); coding-DNA position 1145, C replaced by A.
Protein change: p.Pro382Gln; replaces proline 382 with glutamine.
Molecular consequence: missense variant.
Genome position (GRCh38, 1-based): chr6:24,522,897, C>A. VCF-style: chr6-24522897-C-A. GRCh37 (hg19) VCF-style: chr6-24523125-C-A.
Other names: c.1001C>A, p.Pro334Gln (NM_001368954.1); c.1184C>A, p.Pro395Gln (NM_170740.1); short protein forms P382Q, P334Q, P395Q.
Identifiers: ClinVar variation 1878476 (VCV001878476.4), dbSNP rs2532868391, ClinGen allele CA362976566.

ClinVar aggregate classification (germline): Likely pathogenic (1 of 4 stars; one submission).

Conditions:
Succinate-semialdehyde dehydrogenase deficiency (SSADHD). Also called: Succinic Semialdehyde Dehydrogenase Deficiency; SSADH DEFICIENCY; 4-HYDROXYBUTYRIC ACIDURIA; GABA METABOLIC DEFECT. Identifiers: Orphanet 22, MedGen C0268631, MONDO:0010083, OMIM 271980.

Submission:

Elsea Laboratory, Baylor College of Medicine
Classification: Likely pathogenic for Succinate-semialdehyde dehydrogenase deficiency. Last evaluated: 2021-03-08. Review status: criteria provided, single submitter. Criteria: Martin et al. (J Child Neurol. 2021). Collection method: curation. Allele origin: germline. Affected: yes.
Comment: catalytic domain

Literature cited by the submitters: PubMed 14635103; PubMed 33203024.